The following is an entry in ClinVar:

ClinVar aggregate classification (germline): Uncertain significance (1 of 4 stars; one submission).

Conditions:
Hereditary cancer-predisposing syndrome. Also called: Neoplastic Syndromes, Hereditary; Tumor predisposition; Hereditary Cancer Syndrome; Hereditary neoplastic syndrome. Identifiers: Orphanet 140162, MedGen C0027672, MeSH D009386, MONDO:0015356.

Submission:

Ambry Genetics
Classification: Uncertain significance for Hereditary cancer-predisposing syndrome. Last evaluated: 2026-05-14. Review status: criteria provided, single submitter. Criteria: Ambry Variant Classification Scheme 2023. Collection method: clinical testing. Allele origin: germline.
Comment: The p.G666S variant (also known as c.1996G>A), located in coding exon 13 of the CTNNA1 gene, results from a G to A substitution at nucleotide position 1996. The glycine at codon 666 is replaced by serine, an amino acid with similar properties. This amino acid position is conserved. In addition, the in silico prediction for this alteration is inconclusive. Based on the available evidence, the clinical significance of this variant remains unclear.

NM_001903.5(CTNNA1):c.1996G>A (p.Gly666Ser)

Gene: CTNNA1 (catenin alpha 1; plus strand). Cytogenetic location: 5q31.2.
Variant type: single nucleotide variant.
Coding change: c.1996G>A on transcript NM_001903.5 (MANE Select); coding-DNA position 1996, G replaced by A.
Protein change: p.Gly666Ser; replaces glycine 666 with serine.
Molecular consequence: missense variant.
Genome position (GRCh38, 1-based): chr5:138,929,342, G>A. VCF-style: chr5-138929342-G-A. GRCh37 (hg19) VCF-style: chr5-138265031-G-A.
Other names: c.886G>A, p.Gly296Ser (NM_001324000.1, NM_001324001.1, NM_001290312.1 and 17 more transcripts); c.547G>A, p.Gly183Ser (NM_001324010.1, NM_001324006.1, NM_001324007.1 and 2 more transcripts); c.793G>A, p.Gly265Ser (NM_001324011.1); c.643G>A, p.Gly215Ser (NM_001324012.1, NM_001324013.1); c.1996G>A, p.Gly666Ser (NM_001290307.3, NM_001323982.2, NM_001323983.1 and 2 more transcripts); c.1687G>A, p.Gly563Ser (NM_001290309.3); c.1627G>A, p.Gly543Ser (NM_001290310.3); c.1903G>A, p.Gly635Ser (NM_001323986.2); short protein forms G183S, G215S, G265S, G296S, G543S, G563S, G635S, G666S.
Identifiers: ClinVar variation 4869480 (VCV004869480.1).
Genomic context (GRCh38, chr5:138,929,342, plus strand): 5'-GAAGATTTTGATGTCAGAAGCAGGACGAGCGTCCAGACAGAAGACGATCAGCTGATAGCT[G>A]GCCAGAGTGCCCGGGTAAGGAAGCGCTCCGTGGGGCAGTTCAGCTTGTGCTGCCGACTTT-3'
Protein context (NP_001894.2, residues 656-676): VQTEDDQLIA[Gly666Ser]QSARAIMAQL